The following is an entry in ClinVar:

ClinVar aggregate classification (germline): Conflicting classifications of pathogenicity. Review status: criteria provided, conflicting classifications (1 of 4 stars). 2 submissions from 2 submitters: Likely pathogenic (1); Uncertain significance (1). Last evaluated 2021-10-06.

Conditions:
Intellectual developmental disorder, autosomal dominant 64. Also called: MENTAL RETARDATION, AUTOSOMAL DOMINANT 64. Identifiers: MedGen C5543067, MONDO:0030934, OMIM 619188.
ZNF292-related disorder. Also called: ZNF292-related condition.

Submissions (2):

Blueprint Genetics
Classification: Likely pathogenic for ZNF292-related disorders. Last evaluated: 2021-10-06. Review status: criteria provided, single submitter. Criteria: ACMG Guidelines, 2015. Collection method: clinical testing. Allele origin: germline. Affected: yes. Observed: 1 variant allele.

Juno Genomics, Hangzhou Juno Genomics, Inc
Classification: Uncertain significance for Intellectual developmental disorder, autosomal dominant 64. Review status: criteria provided, single submitter. Criteria: ACMG Guidelines, 2015. Collection method: clinical testing. Allele origin: germline.
Comment: Absent from controls (or at extremely low frequency if recessive) in Genome Aggregation Database.;Null variant in a gene where loss of function (LOF) is a known mechanism of disease.

NM_015021.3(ZNF292):c.5479C>T (p.Gln1827Ter)

Gene: ZNF292 (zinc finger protein 292; plus strand). Cytogenetic location: 6q14.3.
Variant type: single nucleotide variant.
Coding change: c.5479C>T on transcript NM_015021.3 (MANE Select); coding-DNA position 5479, C replaced by T.
Protein change: p.Gln1827Ter; replaces glutamine 1827 with a stop codon.
Molecular consequence: nonsense.
Genome position (GRCh38, 1-based): chr6:87,259,108, C>T. VCF-style: chr6-87259108-C-T. GRCh37 (hg19) VCF-style: chr6-87968826-C-T.
Other names: c.5059C>T, p.Gln1687Ter (NM_001351444.2); short protein forms Q1687*, Q1827*.
Identifiers: ClinVar variation 4893363 (VCV004893363.3).